The following is an entry in ClinVar:

NM_001199397.3(NEK1):c.1789T>A (p.Phe597Ile)

Gene: NEK1 (NIMA related kinase 1; minus strand). Cytogenetic location: 4q33.
Variant type: single nucleotide variant.
Coding change: c.1789T>A on transcript NM_001199397.3 (MANE Select); coding-DNA position 1789, T replaced by A.
Protein change: p.Phe597Ile; replaces phenylalanine 597 with isoleucine.
Molecular consequence: missense variant. On other transcripts: non-coding transcript variant (1).
Genome position (GRCh38, 1-based): chr4:169,508,292, A>T on the plus strand (T>A on the coding strand, the complement: NEK1 is on the minus strand). VCF-style: chr4-169508292-A-T. GRCh37 (hg19) VCF-style: chr4-170429443-A-T.
Other names: c.1657T>A, p.Phe553Ile (NM_001199398.3); c.1498T>A, p.Phe500Ile (NM_001199399.3); c.1573T>A, p.Phe525Ile (NM_001199400.3); c.1789T>A, p.Phe597Ile (NM_001374418.1); c.1705T>A, p.Phe569Ile (NM_001374419.1, NM_012224.4); c.1654T>A, p.Phe552Ile (NM_001374420.1); c.1579T>A, p.Phe527Ile (NM_001374421.1); short protein forms F569I, F597I, F525I, F500I, F553I, F527I, F552I.
Identifiers: ClinVar variation 266048 (VCV000266048.10), dbSNP rs776098853, ClinGen allele CA3137633.

ClinVar aggregate classification (germline): Conflicting classifications of pathogenicity. Review status: criteria provided, conflicting classifications (1 of 4 stars). 5 submissions from 5 submitters: Likely pathogenic (1); Uncertain significance (4). Last evaluated 2026-08-17.

Conditions:
Amyotrophic lateral sclerosis, susceptibility to, 24. Identifiers: MedGen C4693523, MONDO:0054750, OMIM 617892.
NEK1-related disorder. Also called: NEK1-related condition.
Motor neuron disease. Also called: Degenerative motor system disease; Motor neuron disorder. Identifiers: Orphanet 98503, MedGen C0085084, MONDO:0020128.
Short-rib thoracic dysplasia 6 with or without polydactyly (SRTD6). Also called: POLYDACTYLY WITH NEONATAL CHONDRODYSTROPHY, TYPE II; Majewski Syndrome; SHORT RIB-POLYDACTYLY SYNDROME, TYPE IIA; SHORT-RIB THORACIC DYSPLASIA 6 WITH POLYDACTYLY; SHORT-RIB THORACIC DYSPLASIA 6 WITHOUT POLYDACTYLY. Identifiers: MedGen C0024507, MONDO:0009894, OMIM 263520.

Allele frequency attached by ClinVar (database versions not stated): gnomAD 0.00004 and 0.00006; TOPMed 0.00004; gnomAD exomes 0.00007 and 0.00010; ExAC 0.00012.
gnomAD v4.1: 119 of 1,593,666 alleles (0.0075%); highest among the groups gnomAD compares: Middle Eastern, 0.083%; 1 homozygote.

Submissions (5):

PreventionGenetics, part of Exact Sciences
Classification: Uncertain significance for NEK1-related condition. Last evaluated: 2026-08-17. Review status: criteria provided, single submitter. Criteria: ACMG Guidelines, 2015. Collection method: clinical testing. Allele origin: germline.
Comment: The NEK1 c.1705T>A variant is predicted to result in the amino acid substitution p.Phe569Ile. To our knowledge, this variant has not been reported in the literature. This variant is reported in 0.064% of alleles in individuals of South Asian descent in gnomAD and has been reported in only the control population in a study of individuals with motor neuron disease (Supplementary Table 4, Reported as NEK1 c.1789T>A (p.Phe597Ile) via NM_001199397, Black et al. 2016. PubMed ID: 28089114). Although we suspect that this variant may be benign, at this time, the clinical significance of this variant is uncertain due to the absence of conclusive functional and genetic evidence.

Labcorp Genetics (formerly Invitae), Labcorp
Classification: Uncertain significance for Short-rib thoracic dysplasia 6 with or without polydactyly. Last evaluated: 2025-07-20. Review status: criteria provided, single submitter. Criteria: Invitae Variant Classification Sherloc (09022015). Collection method: clinical testing. Allele origin: germline.
Comment: This sequence change replaces phenylalanine, which is neutral and non-polar, with isoleucine, which is neutral and non-polar, at codon 569 of the NEK1 protein (p.Phe569Ile). This variant is present in population databases (rs776098853, gnomAD 0.06%). This missense change has been observed in individual(s) with amyotrophic lateral sclerosis (PMID: 34275688). This variant is also known as c.T1498A:p.F500I. ClinVar contains an entry for this variant (Variation ID: 266048). Invitae Evidence Modeling of protein sequence and biophysical properties (such as structural, functional, and spatial information, amino acid conservation, physicochemical variation, residue mobility, and thermodynamic stability) has been performed for this missense variant. However, the output from this modeling did not meet the statistical confidence thresholds required to predict the impact of this variant on NEK1 protein function. In summary, the available evidence is currently insufficient to determine the role of this variant in disease. Therefore, it has been classified as a Variant of Uncertain Significance.

Kariminejad - Najmabadi Pathology & Genetics Center
Classification: Uncertain significance for Amyotrophic lateral sclerosis, susceptibility to, 24. Last evaluated: 2022-08-20. Review status: criteria provided, single submitter. Criteria: ACMG Guidelines, 2015. Collection method: clinical testing. Allele origin: germline. Inheritance: Autosomal dominant inheritance. Affected: yes.
Comment: PM2-PP3

Eurofins Ntd Llc (ga)
Classification: Uncertain significance. Last evaluated: 2016-09-06. Review status: criteria provided, single submitter. Criteria: EGL Classification Definitions 2015. Collection method: clinical testing. Allele origin: germline. Observed: 1 variant allele, 1 heterozygote.

Centre for Genomic and Experimental Medicine, University of Edinburgh
Classification: Likely pathogenic for Motor neuron disease. Last evaluated: 2016-08-31. Review status: criteria provided, single submitter. Criteria: Submitter's publication. Collection method: case-control. Allele origin: unknown. Affected: no. Observed: 1 heterozygote.

Literature cited by the submitters: PubMed 34275688 (cited by Labcorp Genetics (formerly Invitae), Labcorp); PubMed 28089114 (cited by Centre for Genomic and Experimental Medicine, University of Edinburgh).